The following is an entry in ClinVar:

ClinVar aggregate classification (germline): Benign. Review status: criteria provided, multiple submitters, no conflicts (2 of 4 stars). 3 submissions from 3 submitters: Benign (3). Last evaluated 2026-02-04.

Conditions:
Combined immunodeficiency due to ORAI1 deficiency. Also called: IMMUNODEFICIENCY 9. Identifiers: Orphanet 169090, Orphanet 317428, MedGen C2748568, MONDO:0013007, OMIM 612782.
Myopathy, tubular aggregate, 2 (TAM2). Identifiers: MedGen C4014557, MONDO:0014383, OMIM 615883.

Allele frequency attached by ClinVar (database versions not stated): gnomAD exomes 0.01215 and 0.01656; ExAC 0.01791; ESP Exome Variant Server 0.02717; gnomAD 0.02966 and 0.02987; TOPMed 0.03170; 1000 Genomes Project 30x 0.04560; 1000 Genomes Project 0.04732.

Submissions (3):

Labcorp Genetics (formerly Invitae), Labcorp
Classification: Benign for Myopathy, tubular aggregate, 2; Combined immunodeficiency due to ORAI1 deficiency. Last evaluated: 2026-02-04. Review status: criteria provided, single submitter. Criteria: Invitae Variant Classification Sherloc (09022015). Collection method: clinical testing. Allele origin: germline.

GeneDx
Classification: Benign. Last evaluated: 2016-05-13. Review status: criteria provided, single submitter. Criteria: GeneDx Variant Classification (06012015). Collection method: clinical testing. Allele origin: germline. Affected: yes.
Comment: This variant is considered likely benign or benign based on one or more of the following criteria: it is a conservative change, it occurs at a poorly conserved position in the protein, it is predicted to be benign by multiple in silico algorithms, and/or has population frequency not consistent with disease.

Breakthrough Genomics
Classification: Benign. Review status: criteria provided, single submitter. Criteria: ACMG Guidelines, 2015. Collection method: not provided. Allele origin: germline. Inheritance: Autosomal recessive inheritance. Affected: yes.

NM_032790.4(ORAI1):c.652A>G (p.Ser218Gly)

Gene: ORAI1 (ORAI calcium release-activated calcium modulator 1; plus strand). Cytogenetic location: 12q24.31.
Variant type: single nucleotide variant.
Coding change: c.652A>G on transcript NM_032790.4 (MANE Select); coding-DNA position 652, A replaced by G.
Protein change: p.Ser218Gly; replaces serine 218 with glycine.
Genome position (GRCh38, 1-based): chr12:121,641,389, A>G. VCF-style: chr12-121641389-A-G. GRCh37 (hg19) VCF-style: chr12-122079295-A-G.
Other names: short protein forms S218G.
Identifiers: ClinVar variation 379436 (VCV000379436.12), dbSNP rs3741596, ClinGen allele CA6837533.